The following is an entry in ClinVar:

ClinVar aggregate classification (germline): Uncertain significance (1 of 4 stars; one submission).

Submission:

GeneDx
Classification: Uncertain significance. Last evaluated: 2019-11-11. Review status: criteria provided, single submitter. Criteria: GeneDx Variant Classification Process June 2021. Collection method: clinical testing. Allele origin: germline. Affected: yes.
Comment: Not observed in large population cohorts (Lek et al., 2016); In silico analysis, which includes protein predictors and evolutionary conservation, supports that this variant does not alter protein structure/function; Has not been previously published as pathogenic or benign to our knowledge

NM_000528.4(MAN2B1):c.2716G>C (p.Ala906Pro)

Genes: MAN2B1 (mannosidase alpha class 2B member 1; minus strand), LOC130063648 (ATAC-STARR-seq lymphoblastoid active region 14063; plus strand). Cytogenetic location: 19p13.13.
Variant type: single nucleotide variant.
Coding change: c.2716G>C on transcript NM_000528.4 (MANE Select); coding-DNA position 2716, G replaced by C.
Protein change: p.Ala906Pro; replaces alanine 906 with proline.
Molecular consequence: missense variant.
Genome position (GRCh38, 1-based): chr19:12,647,547, C>G on the plus strand (G>C on the coding strand, the complement: MAN2B1 is on the minus strand). VCF-style: chr19-12647547-C-G. GRCh37 (hg19) VCF-style: chr19-12758361-C-G.
Other names: c.2713G>C, p.Ala905Pro (NM_001173498.2); short protein forms A905P, A906P.
Identifiers: ClinVar variation 1309730 (VCV001309730.2), dbSNP rs2145221762, ClinGen allele CA404238058.
Genomic context (GRCh38, chr19:12,647,547, plus strand): 5'-CCTCTCCTACGGCAAACTGGTGCTCCAAGCGCAGCAGCACCATTTCGGGGCCCCAGCTGG[C>G]CAGCGTGAGCAGGTGCACCGAGGGCGGCAGGTCCCTGCGCAGCCCTGAGAACTGCGGGAG-3'
Protein context (NP_000519.2, residues 896-916): LPPSVHLLTL[Ala906Pro]SWGPEMVLLR